The following is an entry in ClinVar:

ClinVar aggregate classification (germline): Uncertain significance. Review status: criteria provided, multiple submitters, no conflicts (2 of 4 stars). 2 submissions from 2 submitters: Uncertain significance (2). Last evaluated 2025-11-08.

Conditions:
Cardiovascular phenotype. Identifiers: MedGen CN230736.
Long QT syndrome (LQTS). Identifiers: MedGen C0023976, MeSH D008133, MONDO:0002442. Disease mechanism: loss of function. Inheritance: Various modes of inheritance.

Allele frequency attached by ClinVar (database versions not stated): gnomAD exomes below 0.00001.
gnomAD v4.1: 6 of 1,613,908 alleles (0.00037%); highest among the groups gnomAD compares: Non-Finnish European, 0.00051%; no homozygotes.

Submissions (2):

Ambry Genetics
Classification: Uncertain significance for Cardiovascular phenotype. Last evaluated: 2025-11-08. Review status: criteria provided, single submitter. Criteria: Ambry Variant Classification Scheme 2023. Collection method: clinical testing. Allele origin: germline.

Labcorp Genetics (formerly Invitae), Labcorp
Classification: Uncertain significance for Long QT syndrome. Last evaluated: 2023-12-05. Review status: criteria provided, single submitter. Criteria: Invitae Variant Classification Sherloc (09022015). Collection method: clinical testing. Allele origin: germline.
Comment: This sequence change replaces asparagine, which is neutral and polar, with lysine, which is basic and polar, at codon 656 of the ANK2 protein (p.Asn656Lys). This variant is not present in population databases (gnomAD no frequency). This variant has not been reported in the literature in individuals affected with ANK2-related conditions. ClinVar contains an entry for this variant (Variation ID: 1783552). Advanced modeling of protein sequence and biophysical properties (such as structural, functional, and spatial information, amino acid conservation, physicochemical variation, residue mobility, and thermodynamic stability) has been performed at Invitae for this missense variant, however the output from this modeling did not meet the statistical confidence thresholds required to predict the impact of this variant on ANK2 protein function. In summary, the available evidence is currently insufficient to determine the role of this variant in disease. Therefore, it has been classified as a Variant of Uncertain Significance.

NM_001148.6(ANK2):c.1968C>G (p.Asn656Lys)

Gene: ANK2 (ankyrin 2; plus strand). Cytogenetic location: 4q26.
Variant type: single nucleotide variant.
Coding change: c.1968C>G on transcript NM_001148.6 (MANE Select); coding-DNA position 1968, C replaced by G.
Protein change: p.Asn656Lys; replaces asparagine 656 with lysine.
Molecular consequence: missense variant.
Genome position (GRCh38, 1-based): chr4:113,282,761, C>G. VCF-style: chr4-113282761-C-G. GRCh37 (hg19) VCF-style: chr4-114203917-C-G.
Other names: c.1905C>G, p.Asn635Lys (NM_001127493.3, NM_001354239.2, NM_001354243.2 and 10 more transcripts); c.1968C>G, p.Asn656Lys (NM_001354225.2, NM_001354228.2, NM_001354232.2 and 6 more transcripts); c.2013C>G, p.Asn671Lys (NM_001354230.2, NM_001354231.2, NM_001354237.2 and 5 more transcripts); c.1869C>G, p.Asn623Lys (NM_001354245.2, NM_001354268.2); c.1881C>G, p.Asn627Lys (NM_001354249.2, NM_001354266.2, NM_001354267.2 and 10 more transcripts); c.1758C>G, p.Asn586Lys (NM_001354269.3); c.1806C>G, p.Asn602Lys (NM_001354270.2, NM_001386156.1, NM_001354253.2 and 1 more transcripts); c.1782C>G, p.Asn594Lys (NM_001354271.2, NM_001386151.1, NM_001354260.2); and 8 more; short protein forms N561K, N586K, N627K, N635K, N642K, N644K, N656K, N671K.
Identifiers: ClinVar variation 1783552 (VCV001783552.6), dbSNP rs2062888587, ClinGen allele CA357913984.